The following is an entry in ClinVar:

NM_002292.4(LAMB2):c.3797+5G>A

Gene: LAMB2 (laminin subunit beta 2; minus strand). Cytogenetic location: 3p21.31.
Variant type: single nucleotide variant.
Coding change: c.3797+5G>A on transcript NM_002292.4 (MANE Select); 5 bases into the intron after coding-DNA position 3797, G replaced by A.
Molecular consequence: intron variant.
Genome position (GRCh38, 1-based): chr3:49,123,723, C>T on the plus strand (G>A on the coding strand, the complement: LAMB2 is on the minus strand). VCF-style: chr3-49123723-C-T. GRCh37 (hg19) VCF-style: chr3-49161156-C-T.
Identifiers: ClinVar variation 472481 (VCV000472481.11), dbSNP rs150213016, ClinGen allele CA2393960.

ClinVar aggregate classification (germline): Conflicting classifications of pathogenicity. Review status: criteria provided, conflicting classifications (1 of 4 stars). 5 submissions from 5 submitters: Likely pathogenic (4); Uncertain significance (1). Last evaluated 2026-07-29.

Conditions:
LAMB2-related infantile-onset nephrotic syndrome. Also called: NEPHROTIC SYNDROME, TYPE 5, WITHOUT OCULAR ABNORMALITIES; NEPHROTIC SYNDROME, TYPE 5, WITH OCULAR ABNORMALITIES; Nephrotic Syndrome, type 5. Identifiers: Orphanet 306507, MedGen C3280113, MONDO:0013621, OMIM 614199.
Pierson syndrome. Also called: MICROCORIA-CONGENITAL NEPHROTIC SYNDROME. Identifiers: Orphanet 2670, MedGen C1836876, MONDO:0012184, OMIM 609049.
LAMB2-related disorder. Also called: LAMB2-related condition.

Allele frequency attached by ClinVar (database versions not stated): ExAC 0.00007; gnomAD 0.00007 and 0.00005; ESP Exome Variant Server 0.00008; gnomAD exomes 0.00009 and 0.00006; 1000 Genomes Project 30x 0.00031; 1000 Genomes Project 0.00040; TOPMed 0.00005.
gnomAD v4.1: 134 of 1,613,502 alleles (0.0083%); highest among the groups gnomAD compares: East Asian, 0.19%; no homozygotes.

Submissions (6):

PreventionGenetics, part of Exact Sciences
Classification: Likely pathogenic for LAMB2-related condition. Last evaluated: 2026-07-29. Review status: criteria provided, single submitter. Criteria: ACMG Guidelines, 2015. Collection method: clinical testing. Allele origin: germline.
Comment: The LAMB2 c.3797+5G>A variant is predicted to interfere with splicing. This variant is predicted to impact splicing based on one available splicing prediction program (SpliceAI, Jaganathan et al. 2019. PubMed ID: 30661751). This variant was reported, along with a second potentially causative variant, in the compound heterozygous state in an individual with Pierson syndrome, and functional studies indicated that this variant generated aberrant transcripts (Minamikawa et al. 2020. PubMed ID: 31959872). This variant was also described, along with a second potentially causative variant, in another individual with Pierson syndrome (Sakuraya et al. 2021. PubMed ID: 33476040). This variant is reported in 0.060% of alleles in individuals of East Asian descent in gnomAD. Taken together, we classify this variant as likely pathogenic.

3billion
Classification: Likely pathogenic for LAMB2-related disorder. Last evaluated: 2025-10-01. Review status: criteria provided, single submitter. Criteria: ACMG Guidelines, 2015. Collection method: clinical testing. Allele origin: germline. Affected: yes.
Comment: The variant is observed at an extremely low frequency in the gnomAD v4.1.0 dataset (total allele frequency: 0.008%). Predicted Consequence/Location: Intron variant Functional studies provide moderate evidence of the variant having a damaging effect on the gene or gene product (PMID: 31959872). In silico tools predict the variant to alter splicing and produce an abnormal transcript [SpliceAI: 0.33 (>=0.2, moderate evidence for spliceogenicity)]. The variant has been reported to be associated with LAMB2-related disorder (PMID: 31959872). Therefore, this variant is classified as Likely pathogenic according to the recommendation of ACMG/AMP guideline.

Labcorp Genetics (formerly Invitae), Labcorp
Classification: Likely pathogenic for LAMB2-related infantile-onset nephrotic syndrome; Pierson syndrome. Last evaluated: 2025-09-02. Review status: criteria provided, single submitter. Criteria: Invitae Variant Classification Sherloc (09022015). Collection method: clinical testing. Allele origin: germline.
Comment: This sequence change falls in intron 24 of the LAMB2 gene. It does not directly change the encoded amino acid sequence of the LAMB2 protein. It affects a nucleotide within the consensus splice site. This variant is present in population databases (rs150213016, gnomAD 0.06%). This variant has been observed in individual(s) with clinical features of Pierson syndrome (PMID: 31959872, 33476040). In at least one individual the data is consistent with being in trans (on the opposite chromosome) from a pathogenic variant. ClinVar contains an entry for this variant (Variation ID: 472481). Studies have shown that this variant does not significantly alter or has an unclear effect on LAMB2 gene expression (PMID: 31959872). Variants that disrupt the consensus splice site are a relatively common cause of aberrant splicing (PMID: 17576681, 9536098). Studies have shown that this variant is associated with altered splicing resulting in multiple RNA products (PMID: 31959872). In summary, the currently available evidence indicates that the variant is pathogenic, but additional data are needed to prove that conclusively. Therefore, this variant has been classified as Likely Pathogenic.

Revvity Omics, Revvity
Classification: Uncertain significance. Last evaluated: 2024-05-14. Review status: criteria provided, single submitter. Criteria: ACMG Guidelines, 2015. Collection method: clinical testing. Allele origin: germline.

Fulgent Genetics
Classification: Likely pathogenic for Pierson syndrome; LAMB2-related infantile-onset nephrotic syndrome. Last evaluated: 2024-05-04. Review status: criteria provided, single submitter. Criteria: ACMG Guidelines, 2015. Collection method: clinical testing. Allele origin: germline.

Dr. Peter K. Rogan Lab, Western University
No classification provided (evidence only). Condition: Familial cancer of breast. Review status: no classification provided. Collection method: in vitro. Allele origin: not applicable. Functional consequence: retained intron. Not counted in ClinVar's aggregate classification.

Literature cited by the submitters: PubMed 31959872 (cited by 3billion and Labcorp Genetics (formerly Invitae), Labcorp); PubMed 33476040 (cited by Labcorp Genetics (formerly Invitae), Labcorp); PubMed 17576681 (cited by Labcorp Genetics (formerly Invitae), Labcorp); PubMed 9536098 (cited by Labcorp Genetics (formerly Invitae), Labcorp).